The following is an entry in ClinVar:

ClinVar aggregate classification (germline): Uncertain significance. Review status: criteria provided, multiple submitters, no conflicts (2 of 4 stars). 2 submissions from 2 submitters: Uncertain significance (2). Last evaluated 2025-03-27.

Conditions:
Inborn genetic diseases. Identifiers: MedGen C0950123, MeSH D030342.

Allele frequency attached by ClinVar (database versions not stated): TOPMed below 0.00001; ExAC 0.00001; gnomAD exomes 0.00001.
gnomAD v4.1: 7 of 1,605,440 alleles (0.00044%); highest among the groups gnomAD compares: South Asian, 0.0022%; no homozygotes.

Submissions (2):

Ambry Genetics
Classification: Uncertain significance for Inborn genetic diseases. Last evaluated: 2025-03-27. Review status: criteria provided, single submitter. Criteria: Ambry Variant Classification Scheme 2023. Collection method: clinical testing. Allele origin: germline.

ARUP Laboratories, Molecular Genetics and Genomics, ARUP Laboratories
Classification: Uncertain significance. Last evaluated: 2023-11-06. Review status: criteria provided, single submitter. Criteria: ARUP Molecular Germline Variant Investigation Process 2024. Collection method: clinical testing. Allele origin: germline.
Comment: The DHTKD1 c.2374A>G; p.Ile792Val variant (rs769789126), to our knowledge, is not reported in the medical literature or gene specific databases. This variant is only observed on one allele in the Genome Aggregation Database, indicating it is not a common polymorphism. Computational analyses predict that this variant is neutral (REVEL: 0.120). Due to limited information, the clinical significance of this variant is uncertain at this time. Hagen et al. Genetic basis of alpha-aminoadipic and alpha-ketoadipic aciduria. J Inherit Metab Dis. 2015 Sep;38(5):873-9. Xu et al. A nonsense mutation in DHTKD1 causes Charcot-Marie-Tooth disease type 2 in a large Chinese pedigree. Am J Hum Genet. 2012 Dec 7;91(6):1088-94.

NM_018706.7(DHTKD1):c.2374A>G (p.Ile792Val)

Gene: DHTKD1 (dehydrogenase E1 and transketolase domain containing 1; plus strand). Cytogenetic location: 10p14.
Variant type: single nucleotide variant.
Coding change: c.2374A>G on transcript NM_018706.7 (MANE Select); coding-DNA position 2374, A replaced by G.
Protein change: p.Ile792Val; replaces isoleucine 792 with valine.
Molecular consequence: missense variant.
Genome position (GRCh38, 1-based): chr10:12,117,727, A>G. VCF-style: chr10-12117727-A-G. GRCh37 (hg19) VCF-style: chr10-12159726-A-G.
Other names: c.2374A>G (NM_018706.5); short protein forms I792V.
Identifiers: ClinVar variation 2921241 (VCV002921241.2), dbSNP rs769789126, ClinGen allele CA5408236.